The following is an entry in ClinVar:

NM_000539.3(RHO):c.544G>A (p.Gly182Ser)

Gene: RHO (rhodopsin; plus strand). Cytogenetic location: 3q22.1.
Variant type: single nucleotide variant.
Coding change: c.544G>A on transcript NM_000539.3 (MANE Select); coding-DNA position 544, G replaced by A.
Protein change: p.Gly182Ser; replaces glycine 182 with serine.
Molecular consequence: missense variant.
Genome position (GRCh38, 1-based): chr3:129,532,264, G>A. VCF-style: chr3-129532264-G-A. GRCh37 (hg19) VCF-style: chr3-129251107-G-A.
Other names: short protein forms G182S.
Identifiers: ClinVar variation 13033 (VCV000013033.11), dbSNP rs104893780, ClinGen allele CA256679.
Genomic context (GRCh38, chr3:129,532,264, plus strand): 5'-TTCCCAAGTCCCTCACAGGCAGGGTCTCCCTACCTGCCTGTCCTCAGGTACATCCCCGAG[G>A]GCCTGCAGTGCTCGTGTGGAATCGACTACTACACGCTCAAGCCGGAGGTCAACAACGAGT-3'
Protein context (NP_000530.1, residues 172-192): LAGWSRYIPE[Gly182Ser]LQCSCGIDYY

ClinVar aggregate classification (germline): Pathogenic. Review status: criteria provided, multiple submitters, no conflicts (2 of 4 stars). 3 submissions from 3 submitters: Pathogenic (2). 1 of the submissions does not count toward it. Last evaluated 2022-08-18.

Conditions:
RHO-related disorder. Also called: RHO-related condition.
Retinitis pigmentosa 4 (RP4). Also called: RETINITIS PIGMENTOSA, RHODOPSIN-RELATED. Identifiers: Orphanet 791, MedGen C3151001, MONDO:0013395, OMIM 613731.

Submissions (3):

Blueprint Genetics
Classification: Pathogenic for RHO-related disorders. Last evaluated: 2022-08-18. Review status: criteria provided, single submitter. Criteria: ACMG Guidelines, 2015. Collection method: clinical testing. Allele origin: germline. Affected: yes. Observed: 3 variant alleles.

Labcorp Genetics (formerly Invitae), Labcorp
Classification: Pathogenic. Last evaluated: 2022-06-04. Review status: criteria provided, single submitter. Criteria: Invitae Variant Classification Sherloc (09022015). Collection method: clinical testing. Allele origin: germline.
Comment: This sequence change replaces glycine, which is neutral and non-polar, with serine, which is neutral and polar, at codon 182 of the RHO protein (p.Gly182Ser). For these reasons, this variant has been classified as Pathogenic. This variant disrupts the p.Gly182 amino acid residue in RHO. Other variant(s) that disrupt this residue have been determined to be pathogenic (PMID: 25221422, 25366773, 29847639). This suggests that this residue is clinically significant, and that variants that disrupt this residue are likely to be disease-causing. Experimental studies have shown that this missense change affects RHO function (PMID: 30977563). Advanced modeling of protein sequence and biophysical properties (such as structural, functional, and spatial information, amino acid conservation, physicochemical variation, residue mobility, and thermodynamic stability) performed at Invitae indicates that this missense variant is expected to disrupt RHO protein function. ClinVar contains an entry for this variant (Variation ID: 13033). This missense change has been observed in individual(s) with autosomal dominant retinitis pigmentosa (PMID: 1897520). It has also been observed to segregate with disease in related individuals. This variant is not present in population databases (gnomAD no frequency).

OMIM
Classification: Pathogenic for RETINITIS PIGMENTOSA 4. Last evaluated: 1991-10-01. Review status: no assertion criteria provided. Collection method: literature only. Allele origin: germline. Not counted in ClinVar's aggregate classification.

Literature cited by the submitters: PubMed 25221422 (cited by Labcorp Genetics (formerly Invitae), Labcorp); PubMed 25366773 (cited by Labcorp Genetics (formerly Invitae), Labcorp); PubMed 29847639 (cited by Labcorp Genetics (formerly Invitae), Labcorp); PubMed 30977563 (cited by Labcorp Genetics (formerly Invitae), Labcorp); PubMed 1897520 (cited by Labcorp Genetics (formerly Invitae), Labcorp and OMIM).